The following is an entry in ClinVar:

ClinVar aggregate classification (germline): Uncertain significance. Review status: criteria provided, multiple submitters, no conflicts (2 of 4 stars). 2 submissions from 2 submitters: Uncertain significance (2). Last evaluated 2025-01-15.

Allele frequency attached by ClinVar (database versions not stated): gnomAD exomes 0.00003; TOPMed 0.00003; ExAC 0.00012.
gnomAD v4.1: 24 of 1,613,900 alleles (0.0015%); highest among the groups gnomAD compares: Admixed American, 0.022%; no homozygotes.

Submissions (2):

Labcorp Genetics (formerly Invitae), Labcorp
Classification: Uncertain significance. Last evaluated: 2025-01-15. Review status: criteria provided, single submitter. Criteria: Invitae Variant Classification Sherloc (09022015). Collection method: clinical testing. Allele origin: germline.
Comment: This sequence change replaces alanine, which is neutral and non-polar, with valine, which is neutral and non-polar, at codon 417 of the MMP9 protein (p.Ala417Val). This variant is present in population databases (rs771043300, gnomAD 0.04%). This variant has not been reported in the literature in individuals affected with MMP9-related conditions. ClinVar contains an entry for this variant (Variation ID: 2908335). Invitae Evidence Modeling of protein sequence and biophysical properties (such as structural, functional, and spatial information, amino acid conservation, physicochemical variation, residue mobility, and thermodynamic stability) indicates that this missense variant is expected to disrupt MMP9 protein function with a positive predictive value of 80%. In summary, the available evidence is currently insufficient to determine the role of this variant in disease. Therefore, it has been classified as a Variant of Uncertain Significance.

Ambry Genetics
Classification: Uncertain significance. Last evaluated: 2023-12-14. Review status: criteria provided, single submitter. Criteria: Ambry Variant Classification Scheme 2023. Collection method: clinical testing. Allele origin: germline.

NM_004994.3(MMP9):c.1250C>T (p.Ala417Val)

Gene: MMP9 (matrix metallopeptidase 9; plus strand). Cytogenetic location: 20q13.12.
Variant type: single nucleotide variant.
Coding change: c.1250C>T on transcript NM_004994.3 (MANE Select); coding-DNA position 1250, C replaced by T.
Protein change: p.Ala417Val; replaces alanine 417 with valine.
Molecular consequence: missense variant.
Genome position (GRCh38, 1-based): chr20:46,012,502, C>T. VCF-style: chr20-46012502-C-T. GRCh37 (hg19) VCF-style: chr20-44641141-C-T.
Other names: c.1250C>T (NM_004994.2); short protein forms A417V.
Identifiers: ClinVar variation 2908335 (VCV002908335.4), dbSNP rs771043300, ClinGen allele CA9886677.